The following is an entry in ClinVar:

ClinVar aggregate classification (germline): Pathogenic (1 of 4 stars; one submission).

Conditions:
Developmental and epileptic encephalopathy, 9 (DEE9). Also called: Early infantile epileptic encephalopathy 9; EPILEPSY, FEMALE-RESTRICTED, WITH MENTAL RETARDATION; PCDH19-Related X-Linked Female-Limited Epilepsy with Mental Retardation; JUBERG-HELLMAN SYNDROME. Identifiers: Orphanet 101039, Orphanet 2076, MedGen C1848137, MONDO:0010246, OMIM 300088. Disease mechanism: loss of function.

Submission:

Labcorp Genetics (formerly Invitae), Labcorp
Classification: Pathogenic for Developmental and epileptic encephalopathy, 9. Last evaluated: 2023-08-14. Review status: criteria provided, single submitter. Criteria: Invitae Variant Classification Sherloc (09022015). Collection method: clinical testing. Allele origin: germline.
Comment: This sequence change replaces aspartic acid, which is acidic and polar, with histidine, which is basic and polar, at codon 377 of the PCDH19 protein (p.Asp377His). This variant is not present in population databases (gnomAD no frequency). For these reasons, this variant has been classified as Pathogenic. This variant disrupts the p.Asp377 amino acid residue in PCDH19. Other variant(s) that disrupt this residue have been determined to be pathogenic (PMID: 22848613, 29933521). This suggests that this residue is clinically significant, and that variants that disrupt this residue are likely to be disease-causing. Advanced modeling of protein sequence and biophysical properties (such as structural, functional, and spatial information, amino acid conservation, physicochemical variation, residue mobility, and thermodynamic stability) performed at Invitae indicates that this missense variant is expected to disrupt PCDH19 protein function. ClinVar contains an entry for this variant (Variation ID: 857424). This missense change has been observed in individual(s) with clinical features of early infantile epileptic encephalopathy (PMID: 20713952, 21777234). In at least one individual the variant was observed to be de novo.

Literature cited by the submitters: PubMed 22848613; PubMed 29933521; PubMed 20713952; PubMed 21777234.

NM_001184880.2(PCDH19):c.1129G>C (p.Asp377His)

Gene: PCDH19 (protocadherin 19; minus strand). Cytogenetic location: Xq22.1.
Variant type: single nucleotide variant.
Coding change: c.1129G>C on transcript NM_001184880.2 (MANE Select); coding-DNA position 1129, G replaced by C.
Protein change: p.Asp377His; replaces aspartic acid 377 with histidine.
Molecular consequence: missense variant.
Genome position (GRCh38, 1-based): chrX:100,407,469, C>G on the plus strand (G>C on the coding strand, the complement: PCDH19 is on the minus strand). VCF-style: chrX-100407469-C-G. GRCh37 (hg19) VCF-style: chrX-99662467-C-G.
Other names: c.1129G>C, p.Asp377His (NM_001105243.2, NM_020766.3); short protein forms D377H.
Identifiers: ClinVar variation 857424 (VCV000857424.10), dbSNP rs1928407149, ClinGen allele CA414004080.